The following is an entry in ClinVar:

ClinVar aggregate classification (germline): Uncertain significance (1 of 4 stars; one submission).

gnomAD v4.1: 1 of 1,613,638 alleles (0.000062%); highest among the groups gnomAD compares: Non-Finnish European, 0.000085%; no homozygotes.

Submission:

GeneDx
Classification: Uncertain significance. Last evaluated: 2025-06-22. Review status: criteria provided, single submitter. Criteria: GeneDx Variant Classification Process June 2021. Collection method: clinical testing. Allele origin: germline. Affected: yes.
Comment: Not observed at significant frequency in large population cohorts (gnomAD); In silico analysis suggests that this missense variant does not alter protein structure/function; Has not been previously published as pathogenic or benign to our knowledge

NM_001318852.2(MAPK8IP3):c.398C>A (p.Thr133Lys)

Gene: MAPK8IP3 (mitogen-activated protein kinase 8 interacting protein 3; plus strand). Cytogenetic location: 16p13.3.
Variant type: single nucleotide variant.
Coding change: c.398C>A on transcript NM_001318852.2 (MANE Select); coding-DNA position 398, C replaced by A.
Protein change: p.Thr133Lys; replaces threonine 133 with lysine.
Molecular consequence: missense variant.
Genome position (GRCh38, 1-based): chr16:1,724,636, C>A. VCF-style: chr16-1724636-C-A. GRCh37 (hg19) VCF-style: chr16-1774637-C-A.
Other names: c.398C>A, p.Thr133Lys (NM_001040439.2, NM_015133.5); short protein forms T133K.
Identifiers: ClinVar variation 4538995 (VCV004538995.1).